The following is an entry in ClinVar:

ClinVar aggregate classification (germline): Uncertain significance (1 of 4 stars; one submission).

Conditions:
Usher syndrome type 3B. Also called: USHER SYNDROME, TYPE IIIB. Identifiers: MedGen C3281066, MONDO:0013788, OMIM 614504.

Submission:

Labcorp Genetics (formerly Invitae), Labcorp
Classification: Uncertain significance for Usher syndrome type 3B. Last evaluated: 2025-04-17. Review status: criteria provided, single submitter. Criteria: Invitae Variant Classification Sherloc (09022015). Collection method: clinical testing. Allele origin: germline.
Comment: This sequence change replaces glycine, which is neutral and non-polar, with arginine, which is basic and polar, at codon 276 of the HARS protein (p.Gly276Arg). This variant is not present in population databases (gnomAD no frequency). This variant has not been reported in the literature in individuals affected with HARS-related conditions. ClinVar contains an entry for this variant (Variation ID: 1056915). An algorithm developed to predict the effect of missense changes on protein structure and function (PolyPhen-2) suggests that this variant is likely to be tolerated. In summary, the available evidence is currently insufficient to determine the role of this variant in disease. Therefore, it has been classified as a Variant of Uncertain Significance.

NM_002109.6(HARS1):c.826G>C (p.Gly276Arg)

Gene: HARS1 (histidyl-tRNA synthetase 1; minus strand). Cytogenetic location: 5q31.3.
Variant type: single nucleotide variant.
Coding change: c.826G>C on transcript NM_002109.6 (MANE Select); coding-DNA position 826, G replaced by C.
Protein change: p.Gly276Arg; replaces glycine 276 with arginine.
Molecular consequence: missense variant.
Genome position (GRCh38, 1-based): chr5:140,677,114, C>G on the plus strand (G>C on the coding strand, the complement: HARS1 is on the minus strand). VCF-style: chr5-140677114-C-G. GRCh37 (hg19) VCF-style: chr5-140056699-C-G.
Other names: c.706G>C, p.Gly236Arg (NM_001258040.3); c.766G>C, p.Gly256Arg (NM_001258041.3); c.646G>C, p.Gly216Arg (NM_001258042.3); c.604G>C, p.Gly202Arg (NM_001289092.2); c.484G>C, p.Gly162Arg (NM_001289093.2); c.739G>C, p.Gly247Arg (NM_001289094.2); short protein forms G162R, G202R, G216R, G236R, G247R, G256R, G276R.
Identifiers: ClinVar variation 1056915 (VCV001056915.9), dbSNP rs2149823561, ClinGen allele CA361253505.